The following is an entry in ClinVar:

ClinVar aggregate classification (germline): Conflicting classifications of pathogenicity. Review status: criteria provided, conflicting classifications (1 of 4 stars). 3 submissions from 3 submitters: Uncertain significance (2); Likely benign (1). Last evaluated 2026-09-01.

Conditions:
Long QT syndrome (LQTS). Identifiers: MedGen C0023976, MeSH D008133, MONDO:0002442. Disease mechanism: loss of function. Inheritance: Various modes of inheritance.

Allele frequency attached by ClinVar (database versions not stated): ExAC 0.00001; gnomAD 0.00001; gnomAD exomes 0.00001; TOPMed 0.00001.
gnomAD v4.1: 17 of 1,614,000 alleles (0.0011%); highest among the groups gnomAD compares: Middle Eastern, 0.016%; no homozygotes.

Submissions (3):

CeGaT Center for Human Genetics Tuebingen
Classification: Likely benign. Last evaluated: 2026-09-01. Review status: criteria provided, single submitter. Criteria: CeGaT Center For Human Genetics Tuebingen Variant Classification Criteria Version 2. Collection method: clinical testing. Allele origin: germline. Affected: yes. Observed: 1 variant allele.
Comment: ANK2: BP4

Labcorp Genetics (formerly Invitae), Labcorp
Classification: Uncertain significance for Long QT syndrome. Last evaluated: 2022-06-07. Review status: criteria provided, single submitter. Criteria: Invitae Variant Classification Sherloc (09022015). Collection method: clinical testing. Allele origin: germline.
Comment: This sequence change replaces glutamic acid, which is acidic and polar, with lysine, which is basic and polar, at codon 3950 of the ANK2 protein (p.Glu3950Lys). This variant is present in population databases (rs746413508, gnomAD 0.004%). This variant has not been reported in the literature in individuals affected with ANK2-related conditions. ClinVar contains an entry for this variant (Variation ID: 191417). Algorithms developed to predict the effect of missense changes on protein structure and function output the following: SIFT: "Tolerated"; PolyPhen-2: "Benign"; Align-GVGD: "Class C0". The lysine amino acid residue is found in multiple mammalian species, which suggests that this missense change does not adversely affect protein function. In summary, the available evidence is currently insufficient to determine the role of this variant in disease. Therefore, it has been classified as a Variant of Uncertain Significance.

Biesecker Lab/Clinical Genomics Section, National Institutes of Health
Classification: Uncertain significance. Last evaluated: 2013-06-24. Review status: criteria provided, single submitter. Criteria: Ng et al. (Circ Cardiovasc Genet. 2013). Collection method: research. Allele origin: unknown. Observed: 1 variant allele. Study: ClinSeq.
Comment: The study set was not selected for affection status in relation to any cancer. Pathogenicity categories were based on literature curation. See Pubmed ID:23861362 for details.

Medical sequencing

NM_001148.6(ANK2):c.11848G>A (p.Glu3950Lys)

Gene: ANK2 (ankyrin 2; plus strand). Cytogenetic location: 4q26.
Variant type: single nucleotide variant.
Coding change: c.11848G>A on transcript NM_001148.6 (MANE Select); coding-DNA position 11848, G replaced by A.
Protein change: p.Glu3950Lys; replaces glutamic acid 3950 with lysine.
Molecular consequence: missense variant. On other transcripts: intron variant (9).
Genome position (GRCh38, 1-based): chr4:113,373,438, G>A. VCF-style: chr4-113373438-G-A. GRCh37 (hg19) VCF-style: chr4-114294594-G-A.
Other names: c.5491G>A, p.Glu1831Lys (NM_001354236.2); c.5671G>A, p.Glu1891Lys (NM_001354237.2); c.5656G>A, p.Glu1886Lys (NM_001354239.2); c.5638G>A, p.Glu1880Lys (NM_001354240.2, NM_001354241.2); c.5635G>A, p.Glu1879Lys (NM_001354242.2); c.5623G>A, p.Glu1875Lys (NM_001354243.2, NM_001386143.1); c.5620G>A, p.Glu1874Lys (NM_001354244.2); c.5431G>A, p.Glu1811Lys (NM_001354245.2, NM_001354262.2); and 50 more; short protein forms E1856K, E3950K, E1770K, E1778K, E1811K, E1844K, E1864K, E1869K.
Identifiers: ClinVar variation 191417 (VCV000191417.18), dbSNP rs746413508, ClinGen allele CA236579.